The following is an entry in ClinVar:

NM_001164508.2(NEB):c.3919G>A (p.Gly1307Ser)

Gene: NEB (nebulin; minus strand). Cytogenetic location: 2q23.3.
Variant type: single nucleotide variant.
Coding change: c.3919G>A on transcript NM_001164508.2 (MANE Select); coding-DNA position 3919, G replaced by A.
Protein change: p.Gly1307Ser; replaces glycine 1307 with serine.
Molecular consequence: missense variant.
Genome position (GRCh38, 1-based): chr2:151,674,545, C>T on the plus strand (G>A on the coding strand, the complement: NEB is on the minus strand). VCF-style: chr2-151674545-C-T. GRCh37 (hg19) VCF-style: chr2-152531059-C-T.
Other names: c.3919G>A, p.Gly1307Ser (NM_001164507.2, NM_001271208.2, NM_004543.5); short protein forms G1307S.
Identifiers: ClinVar variation 3239461 (VCV003239461.19), dbSNP rs771991776.
Genomic context (GRCh38, chr2:151,674,545, plus strand): 5'-CAATGTTTCTCGATGCCTTGGCTGCAGTGATGGGAATAGCATCGCCCAGCACATTGTTGC[C>T]CTTGGCTATTAAGTCATACCAATCCCGTTTATAACAGACCTGGACAGAAAAGCAAACAGA-3'
Protein context (NP_001157980.2, residues 1297-1317): KRDWYDLIAK[Gly1307Ser]NNVLGDAIPI

ClinVar aggregate classification (germline): Uncertain significance (1 of 4 stars; one submission).

Submission:

CeGaT Center for Human Genetics Tuebingen
Classification: Uncertain significance. Last evaluated: 2024-05-01. Review status: criteria provided, single submitter. Criteria: CeGaT Center For Human Genetics Tuebingen Variant Classification Criteria Version 2. Collection method: clinical testing. Allele origin: germline. Affected: yes. Observed: 1 variant allele.
Comment: NEB: PM2, BP1